The following is an entry in ClinVar:

ClinVar aggregate classification (germline): Uncertain significance (1 of 4 stars; one submission).

Allele frequency attached by ClinVar (database versions not stated): ExAC 0.00001; 1000 Genomes Project 30x 0.00016; 1000 Genomes Project 0.00020.
gnomAD v4.1: 13 of 1,614,114 alleles (0.00081%); highest among the groups gnomAD compares: Admixed American, 0.0033%; no homozygotes.

Submission:

Labcorp Genetics (formerly Invitae), Labcorp
Classification: Uncertain significance. Last evaluated: 2023-12-17. Review status: criteria provided, single submitter. Criteria: Invitae Variant Classification Sherloc (09022015). Collection method: clinical testing. Allele origin: germline.
Comment: This sequence change replaces arginine, which is basic and polar, with glutamine, which is neutral and polar, at codon 124 of the SULF1 protein (p.Arg124Gln). This variant is present in population databases (rs147909650, gnomAD 0.006%). This variant has not been reported in the literature in individuals affected with SULF1-related conditions. An algorithm developed to predict the effect of missense changes on protein structure and function (PolyPhen-2) suggests that this variant is likely to be disruptive. In summary, the available evidence is currently insufficient to determine the role of this variant in disease. Therefore, it has been classified as a Variant of Uncertain Significance.

NM_001128205.2(SULF1):c.371G>A (p.Arg124Gln)

Gene: SULF1 (sulfatase 1; plus strand). Cytogenetic location: 8q13.2.
Variant type: single nucleotide variant.
Coding change: c.371G>A on transcript NM_001128205.2 (MANE Select); coding-DNA position 371, G replaced by A.
Protein change: p.Arg124Gln; replaces arginine 124 with glutamine.
Molecular consequence: missense variant. On other transcripts: non-coding transcript variant (6), 5 prime UTR variant (3).
Genome position (GRCh38, 1-based): chr8:69,576,168, G>A. VCF-style: chr8-69576168-G-A. GRCh37 (hg19) VCF-style: chr8-70488403-G-A.
Other names: c.371G>A, p.Arg124Gln (NM_001128204.2, NM_001128206.2, NM_001412828.1 and 19 more transcripts); c.185G>A, p.Arg62Gln (NM_001412841.1, NM_001412842.1); c.-156G>A (NM_001412844.1, NM_001412845.1); c.-1331G>A (NM_001412846.1); short protein forms R124Q, R62Q.
Identifiers: ClinVar variation 2876342 (VCV002876342.3), dbSNP rs147909650, ClinGen allele CA4775554.